The following is an entry in ClinVar:

ClinVar aggregate classification (germline): Likely pathogenic (1 of 4 stars; one submission).

Conditions:
3 beta-Hydroxysteroid dehydrogenase deficiency. Also called: 3b-hydroxysteroid dehydrogenase deficiency; ADRENAL HYPERPLASIA, CONGENITAL, DUE TO 3-BETA-HYDROXYSTEROID DEHYDROGENASE 2 DEFICIENCY; Congenital adrenal hyperplasia due to 3-beta-hydroxysteroid dehydrogenase deficiency; 3-BETA-HSD DEFICIENCY; ADRENAL HYPERPLASIA II. Identifiers: Orphanet 90791, MedGen C0342471, MeSH C538236, MONDO:0008727, OMIM 201810. Disease mechanism: loss of function.

Submission:

Natera, Inc.
Classification: Likely pathogenic for 3 beta hydroxysteroid dehydrogenase deficiency. Last evaluated: 2024-03-11. Review status: criteria provided, single submitter. Criteria: Natera Variant Classification Schema (03/2026). Collection method: clinical testing. Allele origin: germline.
Comment: The c.849G>A variant in HSD3B2 is a nonsense variant predicted to introduce a stop codon at amino acid 283. This variant is expected to result in nonsense mediated decay, truncation, or a dysfunctional protein product. This variant is rare in the general population with a frequency below the threshold expected for the associated phenotype(s). Given the available evidence, this variant is classified as Likely Pathogenic.

NM_000198.4(HSD3B2):c.849G>A (p.Trp283Ter)

Gene: HSD3B2 (hydroxy-delta-5-steroid dehydrogenase, 3 beta- and steroid delta-isomerase 2; plus strand). Cytogenetic location: 1p12.
Variant type: single nucleotide variant.
Coding change: c.849G>A on transcript NM_000198.4 (MANE Select); coding-DNA position 849, G replaced by A.
Protein change: p.Trp283Ter; replaces tryptophan 283 with a stop codon.
Molecular consequence: nonsense.
Genome position (GRCh38, 1-based): chr1:119,422,350, G>A. VCF-style: chr1-119422350-G-A. GRCh37 (hg19) VCF-style: chr1-119964973-G-A.
Other names: c.849G>A, p.Trp283Ter (NM_001166120.2); short protein forms W283*.
Identifiers: ClinVar variation 4817900 (VCV004817900.1).
Genomic context (GRCh38, chr1:119,422,350, plus strand): 5'-CTATGATAACCTTAATTACATCCTGAGCAAAGAGTTTGGCCTCCGCCTTGATTCCAGATG[G>A]AGCCTTCCTTTAACCCTGATGTACTGGATTGGCTTCCTGCTGGAAGTAGTGAGCTTCCTA-3'